The following is an entry in ClinVar:

NM_000255.4(MMUT):c.1663G>A (p.Ala555Thr)

Gene: MMUT (methylmalonyl-CoA mutase; minus strand). Cytogenetic location: 6p12.3.
Variant type: single nucleotide variant.
Coding change: c.1663G>A on transcript NM_000255.4 (MANE Select); coding-DNA position 1663, G replaced by A.
Protein change: p.Ala555Thr; replaces alanine 555 with threonine.
Molecular consequence: missense variant.
Genome position (GRCh38, 1-based): chr6:49,444,652, C>T on the plus strand (G>A on the coding strand, the complement: MMUT is on the minus strand). VCF-style: chr6-49444652-C-T. GRCh37 (hg19) VCF-style: chr6-49412365-C-T.
Other names: p.A555T:GCA>ACA; short protein forms A555T.
Identifiers: ClinVar variation 203850 (VCV000203850.16), dbSNP rs753564352, ClinGen allele CA312769.

ClinVar aggregate classification (germline): Pathogenic/Likely pathogenic. Review status: criteria provided, multiple submitters, no conflicts (2 of 4 stars). 7 submissions from 7 submitters: Pathogenic (5); Likely pathogenic (1). 1 of the submissions does not count toward it. Last evaluated 2026-01-20.

Conditions:
Methylmalonic aciduria due to complete methylmalonyl-CoA mutase deficiency.
Methylmalonic acidemia (MMA). Also called: Isolated Methylmalonic Acidemia. Identifiers: MedGen C0268583, MeSH C537358, MONDO:0002012, HP:0002912.
Methylmalonic aciduria due to methylmalonyl-CoA mutase deficiency (MAMM). Also called: Methylmalonic aciduria, mut type. Identifiers: Orphanet 27, MedGen C1855114, MONDO:0009612, OMIM 251000.

Allele frequency attached by ClinVar (database versions not stated): gnomAD below 0.00001 and 0.00001; gnomAD exomes below 0.00001 and 0.00003; ExAC 0.00002; TOPMed 0.00007.
gnomAD v4.1: 8 of 1,612,940 alleles (0.0005%); highest among the groups gnomAD compares: East Asian, 0.013%; no homozygotes.

Submissions (7):

Labcorp Genetics (formerly Invitae), Labcorp
Classification: Pathogenic. Last evaluated: 2026-01-20. Review status: criteria provided, single submitter. Criteria: Invitae Variant Classification Sherloc (09022015). Collection method: clinical testing. Allele origin: germline.
Comment: This sequence change replaces alanine, which is neutral and non-polar, with threonine, which is neutral and polar, at codon 555 of the MUT protein (p.Ala555Thr). This variant is present in population databases (rs753564352, gnomAD 0.03%). This missense change has been observed in individual(s) with methylmalonic aciduria (PMID: 26483233, 27233228; internal data). In at least one individual the data is consistent with being in trans (on the opposite chromosome) from a pathogenic variant. ClinVar contains an entry for this variant (Variation ID: 203850). Invitae Evidence Modeling of protein sequence and biophysical properties (such as structural, functional, and spatial information, amino acid conservation, physicochemical variation, residue mobility, and thermodynamic stability) indicates that this missense variant is expected to disrupt MUT protein function with a positive predictive value of 95%. For these reasons, this variant has been classified as Pathogenic.

Natera, Inc.
Classification: Pathogenic for Methylmalonic aciduria due to complete methylmalonyl-CoA mutase deficiency. Last evaluated: 2025-09-19. Review status: criteria provided, single submitter. Criteria: Natera Variant Classification Schema (03/2026). Collection method: clinical testing. Allele origin: germline.
Comment: The c.1663G>A variant in MMUT is a missense variant predicted to cause substitution of alanine to threonine at amino acid 555. This variant is rare in the general population with a frequency below the threshold expected for the associated phenotype(s). This variant has been observed in one or more individuals affected with the associated recessive disease, as either homozygous or compound heterozygous with a second variant (PMID: 34668645). Computational prediction algorithms indicate this variant is likely to affect gene or protein function. Given the available evidence, this variant is classified as Pathogenic.

Women's Health and Genetics/Laboratory Corporation of America, LabCorp
Classification: Pathogenic for Methylmalonic acidemia. Last evaluated: 2025-09-18. Review status: criteria provided, single submitter. Criteria: LabCorp Variant Classification Summary - May 2015. Collection method: clinical testing. Allele origin: germline.
Comment: Variant summary: MMUT c.1663G>A (p.Ala555Thr) results in a non-conservative amino acid change in the encoded protein sequence. Algorithms developed to predict the effect of missense changes on protein structure and function all suggest that this variant is likely to be disruptive. The variant allele was found at a frequency of 2.8e-05 in 251222 control chromosomes. c.1663G>A has been observed in multiple individuals affected with Methylmalonic Acidemia (example: Liang_2021). These data indicate that the variant is very likely to be associated with disease. The following publication has been ascertained in the context of this evaluation (PMID: 33413471). ClinVar contains an entry for this variant (Variation ID: 203850). Based on the evidence outlined above, the variant was classified as pathogenic.

GeneDx
Classification: Pathogenic. Last evaluated: 2022-03-03. Review status: criteria provided, single submitter. Criteria: GeneDx Variant Classification Process June 2021. Collection method: clinical testing. Allele origin: germline. Affected: yes.
Comment: In silico analysis supports that this missense variant has a deleterious effect on protein structure/function; This variant is associated with the following publications: (PMID: 31622506, 27233228, 26483233, 31466887, 32778825, 33413471, 34668645, 35223700)

Fulgent Genetics
Classification: Likely pathogenic for Methylmalonic aciduria due to methylmalonyl-CoA mutase deficiency. Last evaluated: 2021-11-03. Review status: criteria provided, single submitter. Criteria: ACMG Guidelines, 2015. Collection method: clinical testing. Allele origin: unknown.

Juno Genomics, Hangzhou Juno Genomics, Inc
Classification: Pathogenic for Methylmalonic aciduria due to methylmalonyl-CoA mutase deficiency. Review status: criteria provided, single submitter. Criteria: ACMG Guidelines, 2015. Collection method: clinical testing. Allele origin: germline. Affected: yes.
Comment: Absent from controls (or at extremely low frequency if recessive) in Genome Aggregation Database, Exome Sequencing Project, 1000 Genomes Project, or Exome Aggregation Consortium.;Multiple lines of computational evidence support a deleterious effect on the gene or gene product (conservation, evolutionary, splicing impact, etc).;For recessive disorders, detected in trans with a pathogenic variant.;Patient's phenotype or family history is highly specific for a disease with a single genetic etiology.

Institute of Medical Genetics and Genomics, Sir Ganga Ram Hospital
Classification: Pathogenic for Methylmalonic aciduria due to methylmalonyl-CoA mutase deficiency. Last evaluated: 2013-05-05. Review status: no assertion criteria provided. Collection method: research. Allele origin: germline. Affected: yes. Observed: 1 variant allele. Study: ORGANIC ACIDURIAS. Not counted in ClinVar's aggregate classification.
Comment: Missense mutation

Literature cited by the submitters: PubMed 26483233 (cited by Labcorp Genetics (formerly Invitae), Labcorp and Institute of Medical Genetics and Genomics, Sir Ganga Ram Hospital); PubMed 27233228 (cited by Labcorp Genetics (formerly Invitae), Labcorp); PubMed 34668645 (cited by Natera, Inc.); PubMed 33413471 (cited by Women's Health and Genetics/Laboratory Corporation of America, LabCorp).